The following is an entry in ClinVar:

ClinVar aggregate classification (germline): Uncertain significance (1 of 4 stars; one submission).

Allele frequency attached by ClinVar (database versions not stated): gnomAD exomes below 0.00001 and 0.00002; ExAC 0.00002; gnomAD 0.00007 and 0.00009; ESP Exome Variant Server 0.00008; TOPMed 0.00008; 1000 Genomes Project 0.00020; 1000 Genomes Project 30x 0.00031.
gnomAD v4.1: 41 of 1,613,816 alleles (0.0025%); highest among the groups gnomAD compares: African/African-American, 0.017%; no homozygotes.

Submission:

Labcorp Genetics (formerly Invitae), Labcorp
Classification: Uncertain significance. Last evaluated: 2025-08-11. Review status: criteria provided, single submitter. Criteria: Invitae Variant Classification Sherloc (09022015). Collection method: clinical testing. Allele origin: germline.
Comment: This sequence change replaces valine, which is neutral and non-polar, with isoleucine, which is neutral and non-polar, at codon 556 of the DIP2C protein (p.Val556Ile). The frequency data for this variant in the population databases is considered unreliable, as metrics indicate poor data quality at this position in the gnomAD database. This variant has not been reported in the literature in individuals affected with DIP2C-related conditions. ClinVar contains an entry for this variant (Variation ID: 1385865). An algorithm developed to predict the effect of missense changes on protein structure and function (PolyPhen-2) suggests that this variant is likely to be tolerated. In summary, the available evidence is currently insufficient to determine the role of this variant in disease. Therefore, it has been classified as a Variant of Uncertain Significance.

NM_014974.3(DIP2C):c.1666G>A (p.Val556Ile)

Gene: DIP2C (DIP2 acetate--CoA ligase C (putative); minus strand). Cytogenetic location: 10p15.3.
Variant type: single nucleotide variant.
Coding change: c.1666G>A on transcript NM_014974.3 (MANE Select); coding-DNA position 1666, G replaced by A.
Protein change: p.Val556Ile; replaces valine 556 with isoleucine.
Molecular consequence: missense variant.
Genome position (GRCh38, 1-based): chr10:384,636, C>T on the plus strand (G>A on the coding strand, the complement: DIP2C is on the minus strand). VCF-style: chr10-384636-C-T. GRCh37 (hg19) VCF-style: chr10-430576-C-T.
Other names: short protein forms V556I.
Identifiers: ClinVar variation 1385865 (VCV001385865.6), dbSNP rs115905833, ClinGen allele CA5380800.